The following is an entry in ClinVar:

ClinVar aggregate classification (germline): Pathogenic (1 of 4 stars; one submission).

Submission:

Labcorp Genetics (formerly Invitae), Labcorp
Classification: Pathogenic. Last evaluated: 2024-10-03. Review status: criteria provided, single submitter. Criteria: Invitae Variant Classification Sherloc (09022015). Collection method: clinical testing. Allele origin: germline.
Comment: This sequence change creates a premature translational stop signal (p.Ser273*) in the CARMIL2 gene. It is expected to result in an absent or disrupted protein product. Loss-of-function variants in CARMIL2 are known to be pathogenic (PMID: 27647349, 28112205). This variant is not present in population databases (gnomAD no frequency). This variant has not been reported in the literature in individuals affected with CARMIL2-related conditions. For these reasons, this variant has been classified as Pathogenic.

Literature cited by the submitters: PubMed 27647349; PubMed 28112205.

NM_001013838.3(CARMIL2):c.818C>G (p.Ser273Ter)

Gene: CARMIL2 (capping protein regulator and myosin 1 linker 2; plus strand). Cytogenetic location: 16q22.1.
Variant type: single nucleotide variant.
Coding change: c.818C>G on transcript NM_001013838.3 (MANE Select); coding-DNA position 818, C replaced by G.
Protein change: p.Ser273Ter; replaces serine 273 with a stop codon.
Molecular consequence: nonsense.
Genome position (GRCh38, 1-based): chr16:67,647,549, C>G. VCF-style: chr16-67647549-C-G. GRCh37 (hg19) VCF-style: chr16-67681452-C-G.
Other names: c.818C>G, p.Ser273Ter (NM_001317026.3); short protein forms S273*.
Identifiers: ClinVar variation 3673172 (VCV003673172.2).